The following is an entry in ClinVar:

ClinVar aggregate classification (germline): Uncertain significance. Review status: criteria provided, multiple submitters, no conflicts (2 of 4 stars). 2 submissions from 2 submitters: Uncertain significance (2). Last evaluated 2025-12-19.

Conditions:
Dermatofibrosis lenticularis disseminata (BOS). Also called: DERMATOFIBROSIS LENTICULARIS DISSEMINATA WITH OSTEOPOIKILOSIS; DERMATOOSTEOPOIKILOSIS; OSTEOPATHIA CONDENSANS DISSEMINATA. Identifiers: Orphanet 1306, MedGen C0265514, MONDO:0008157, OMIM 166700.

Allele frequency attached by ClinVar (database versions not stated): gnomAD 0.00005; TOPMed 0.00005; ExAC 0.00008; ESP Exome Variant Server 0.00008; gnomAD exomes 0.00009 and 0.00010.
gnomAD v4.1: 131 of 1,604,788 alleles (0.0082%); highest among the groups gnomAD compares: Non-Finnish European, 0.0071%; no homozygotes.

Submissions (2):

Labcorp Genetics (formerly Invitae), Labcorp
Classification: Uncertain significance. Last evaluated: 2025-12-19. Review status: criteria provided, single submitter. Criteria: Invitae Variant Classification Sherloc (09022015). Collection method: clinical testing. Allele origin: germline.
Comment: This sequence change replaces isoleucine, which is neutral and non-polar, with valine, which is neutral and non-polar, at codon 574 of the LEMD3 protein (p.Ile574Val). This variant is present in population databases (rs374107839, gnomAD 0.04%), and has an allele count higher than expected for a pathogenic variant. This variant has not been reported in the literature in individuals affected with LEMD3-related conditions. ClinVar contains an entry for this variant (Variation ID: 310239). Invitae Evidence Modeling of protein sequence and biophysical properties (such as structural, functional, and spatial information, amino acid conservation, physicochemical variation, residue mobility, and thermodynamic stability) indicates that this missense variant is not expected to disrupt LEMD3 protein function with a negative predictive value of 80%. In summary, the available evidence is currently insufficient to determine the role of this variant in disease. Therefore, it has been classified as a Variant of Uncertain Significance.

Illumina Laboratory Services, Illumina
Classification: Uncertain significance for Dermatofibrosis lenticularis disseminata. Last evaluated: 2018-01-12. Review status: criteria provided, single submitter. Criteria: ICSL Variant Classification Criteria 13 December 2019. Collection method: clinical testing. Allele origin: germline.

NM_014319.5(LEMD3):c.1720A>G (p.Ile574Val)

Gene: LEMD3 (LEM domain containing 3; plus strand). Cytogenetic location: 12q14.3.
Variant type: single nucleotide variant.
Coding change: c.1720A>G on transcript NM_014319.5 (MANE Select); coding-DNA position 1720, A replaced by G.
Protein change: p.Ile574Val; replaces isoleucine 574 with valine.
Molecular consequence: missense variant.
Genome position (GRCh38, 1-based): chr12:65,238,526, A>G. VCF-style: chr12-65238526-A-G. GRCh37 (hg19) VCF-style: chr12-65632306-A-G.
Other names: c.1717A>G, p.Ile573Val (NM_001167614.2); short protein forms I574V, I573V.
Identifiers: ClinVar variation 310239 (VCV000310239.12), dbSNP rs374107839, ClinGen allele CA6671021.